The following is an entry in ClinVar:

NM_002386.4(MC1R):c.453C>G (p.Arg151=)

Gene: MC1R (melanocortin 1 receptor; plus strand). Cytogenetic location: 16q24.3.
Variant type: single nucleotide variant.
Coding change: c.453C>G on transcript NM_002386.4 (MANE Select); coding-DNA position 453, C replaced by G.
Protein change: p.Arg151=; no amino-acid change (arginine 151 retained).
Molecular consequence: synonymous variant.
Genome position (GRCh38, 1-based): chr16:89,919,711, C>G. VCF-style: chr16-89919711-C-G. GRCh37 (hg19) VCF-style: chr16-89986119-C-G.
Identifiers: ClinVar variation 321428 (VCV000321428.18), dbSNP rs201827012, ClinGen allele CA8255596.
Genomic context (GRCh38, chr16:89,919,711, plus strand): 5'-CCTCTGCTTCCTGGGCGCCATCGCCGTGGACCGCTACATCTCCATCTTCTACGCACTGCG[C>G]TACCACAGCATCGTGACCCTGCCGCGGGCGCGGCGAGCCGTTGCGGCCATCTGGGTGGCC-3'
Protein context (NP_002377.4, residues 141-161): DRYISIFYAL[Arg151=]YHSIVTLPRA

ClinVar aggregate classification (germline): Benign/Likely benign. Review status: criteria provided, multiple submitters, no conflicts (2 of 4 stars). 5 submissions from 5 submitters: Benign (1); Likely benign (4). Last evaluated 2025-12-30.

Conditions:
Melanoma, cutaneous malignant, susceptibility to, 5. Also called: Cutaneous malignant melanoma 5. Identifiers: Orphanet 618, MedGen C2751295, MONDO:0013133, OMIM 613099.

Allele frequency attached by ClinVar (database versions not stated): 1000 Genomes Project 30x 0.00016; 1000 Genomes Project 0.00020; ESP Exome Variant Server 0.00054; TOPMed 0.00060; gnomAD exomes 0.00068; gnomAD 0.00075 and 0.00079; ExAC 0.00087.

Submissions (5):

Labcorp Genetics (formerly Invitae), Labcorp
Classification: Benign for Melanoma, cutaneous malignant, susceptibility to, 5. Last evaluated: 2025-12-30. Review status: criteria provided, single submitter. Criteria: Invitae Variant Classification Sherloc (09022015). Collection method: clinical testing. Allele origin: germline.

ARUP Laboratories, Molecular Genetics and Genomics, ARUP Laboratories
Classification: Likely benign. Last evaluated: 2025-05-07. Review status: criteria provided, single submitter. Criteria: ARUP Molecular Germline Variant Investigation Process 2024. Collection method: clinical testing. Allele origin: germline.

Blueprint Genetics
Classification: Likely benign. Last evaluated: 2024-11-07. Review status: criteria provided, single submitter. Criteria: ACMG Guidelines, 2015. Collection method: clinical testing. Allele origin: germline.

Ambry Genetics
Classification: Likely benign. Last evaluated: 2024-10-02. Review status: criteria provided, single submitter. Criteria: Ambry Variant Classification Scheme 2023. Collection method: clinical testing. Allele origin: germline.

Illumina Laboratory Services, Illumina
Classification: Likely benign for Melanoma, cutaneous malignant, susceptibility to, 5. Last evaluated: 2017-04-27. Review status: criteria provided, single submitter. Criteria: ICSL Variant Classification Criteria 13 December 2019. Collection method: clinical testing. Allele origin: germline.
Comment: This variant was observed as part of a predisposition screen in an ostensibly healthy population. A literature search was performed for the gene, cDNA change, and amino acid change (where applicable). No publications were found based on this search. Allele frequency data from public databases allowed determination this variant is unlikely to cause disease. Therefore, this variant is classified as likely benign.